The following is an entry in ClinVar:

ClinVar aggregate classification (germline): Uncertain significance. Review status: criteria provided, multiple submitters, no conflicts (2 of 4 stars). 2 submissions from 2 submitters: Uncertain significance (2). Last evaluated 2025-02-04.

Conditions:
Hereditary pheochromocytoma and paraganglioma. Also called: Hereditary pheochromocytoma-paraganglioma; Hereditary Paraganglioma-Pheochromocytoma Syndromes; Hereditary paragangliomas and pheochromocytomas. Identifiers: Orphanet 29072, MedGen C4274332, MONDO:0017366.
Hereditary cancer-predisposing syndrome. Also called: Hereditary neoplastic syndrome; Hereditary Cancer Syndrome; Tumor predisposition; Neoplastic Syndromes, Hereditary. Identifiers: Orphanet 140162, MedGen C0027672, MeSH D009386, MONDO:0015356.

Submissions (2):

Ambry Genetics
Classification: Uncertain significance for Hereditary cancer-predisposing syndrome. Last evaluated: 2025-02-04. Review status: criteria provided, single submitter. Criteria: Ambry Variant Classification Scheme 2023. Collection method: clinical testing. Allele origin: germline.
Comment: The p.V6A variant (also known as c.17T>C), located in coding exon 1 of the SDHAF2 gene, results from a T to C substitution at nucleotide position 17. The valine at codon 6 is replaced by alanine, an amino acid with similar properties. This amino acid position is conserved. In addition, this alteration is predicted to be tolerated by in silico analysis. Based on the available evidence, the clinical significance of this variant remains unclear.

Labcorp Genetics (formerly Invitae), Labcorp
Classification: Uncertain significance for Hereditary pheochromocytoma and paraganglioma. Last evaluated: 2023-11-24. Review status: criteria provided, single submitter. Criteria: Invitae Variant Classification Sherloc (09022015). Collection method: clinical testing. Allele origin: germline.
Comment: This sequence change replaces valine, which is neutral and non-polar, with alanine, which is neutral and non-polar, at codon 6 of the SDHAF2 protein (p.Val6Ala). This variant is not present in population databases (gnomAD no frequency). This variant has not been reported in the literature in individuals affected with SDHAF2-related conditions. ClinVar contains an entry for this variant (Variation ID: 962304). Algorithms developed to predict the effect of missense changes on protein structure and function output the following: SIFT: "Not Available"; PolyPhen-2: "Benign"; Align-GVGD: "Not Available". The alanine amino acid residue is found in multiple mammalian species, which suggests that this missense change does not adversely affect protein function. In summary, the available evidence is currently insufficient to determine the role of this variant in disease. Therefore, it has been classified as a Variant of Uncertain Significance.

NM_017841.4(SDHAF2):c.17T>C (p.Val6Ala)

Gene: SDHAF2 (succinate dehydrogenase complex assembly factor 2; plus strand). Cytogenetic location: 11q12.2.
Variant type: single nucleotide variant.
Coding change: c.17T>C on transcript NM_017841.4 (MANE Select); coding-DNA position 17, T replaced by C.
Protein change: p.Val6Ala; replaces valine 6 with alanine.
Molecular consequence: missense variant.
Genome position (GRCh38, 1-based): chr11:61,430,163, T>C. VCF-style: chr11-61430163-T-C. GRCh37 (hg19) VCF-style: chr11-61197635-T-C.
Other names: short protein forms V6A.
Identifiers: ClinVar variation 962304 (VCV000962304.5), dbSNP rs1565125251, ClinGen allele CA380680157.